The following is an entry in ClinVar:

ClinVar aggregate classification (germline): Uncertain significance (1 of 4 stars; one submission).

Allele frequency attached by ClinVar (database versions not stated): gnomAD exomes below 0.00001; TOPMed 0.00001.
gnomAD v4.1: 5 of 1,613,960 alleles (0.00031%); highest among the groups gnomAD compares: Non-Finnish European, 0.00034%; no homozygotes.

Submission:

Labcorp Genetics (formerly Invitae), Labcorp
Classification: Uncertain significance. Last evaluated: 2025-04-28. Review status: criteria provided, single submitter. Criteria: Invitae Variant Classification Sherloc (09022015). Collection method: clinical testing. Allele origin: germline.
Comment: This sequence change replaces arginine, which is basic and polar, with cysteine, which is neutral and slightly polar, at codon 2542 of the LRP2 protein (p.Arg2542Cys). This variant is not present in population databases (gnomAD no frequency). This missense change has been observed in individual(s) with clinical features of Donnai-Barrow syndrome (PMID: 29532936). ClinVar contains an entry for this variant (Variation ID: 2151946). Invitae Evidence Modeling of protein sequence and biophysical properties (such as structural, functional, and spatial information, amino acid conservation, physicochemical variation, residue mobility, and thermodynamic stability) indicates that this missense variant is not expected to disrupt LRP2 protein function with a negative predictive value of 80%. In summary, the available evidence is currently insufficient to determine the role of this variant in disease. Therefore, it has been classified as a Variant of Uncertain Significance.

Literature cited by the submitters: PubMed 29532936.

NM_004525.3(LRP2):c.7624C>T (p.Arg2542Cys)

Gene: LRP2 (LDL receptor related protein 2; minus strand). Cytogenetic location: 2q31.1.
Variant type: single nucleotide variant.
Coding change: c.7624C>T on transcript NM_004525.3 (MANE Select); coding-DNA position 7624, C replaced by T.
Protein change: p.Arg2542Cys; replaces arginine 2542 with cysteine.
Molecular consequence: missense variant.
Genome position (GRCh38, 1-based): chr2:169,205,570, G>A on the plus strand (C>T on the coding strand, the complement: LRP2 is on the minus strand). VCF-style: chr2-169205570-G-A. GRCh37 (hg19) VCF-style: chr2-170062080-G-A.
Other names: short protein forms R2542C.
Identifiers: ClinVar variation 2151946 (VCV002151946.2), dbSNP rs1688348011, ClinGen allele CA349169357.
Genomic context (GRCh38, chr2:169,205,570, plus strand): 5'-CTTCATAGTCCAGAGTCAGCCCACTGGGCATGACCAGACTGCTGTTCACAATGGGTACGC[G>A]GAAGTTTCCTCCCAATGTGGCTCTCTCGATTTTGGCATGTGTATCCCAGTCAGCCCAGTA-3'
Protein context (NP_004516.2, residues 2532-2552): IERATLGGNF[Arg2542Cys]VPIVNSSLVM